The following is an entry in ClinVar:

NM_002890.3(RASA1):c.617_621del (p.Ile206fs)

Genes: CCNH (cyclin H; minus strand), RASA1 (RAS p21 protein activator 1; plus strand). Cytogenetic location: 5q14.3.
Variant type: Deletion.
Coding change: c.617_621del on transcript NM_002890.3 (MANE Select); coding-DNA positions 617 to 621, 5 bases deleted (TAAGA; older notation c.617_621delTAAGA).
Protein change: p.Ile206fs; shifts the reading frame from isoleucine 206.
Molecular consequence: frameshift variant. On other transcripts: intron variant (1).
Genome position (GRCh38, 1-based): chr5:87,331,425-87,331,429, TAAGA deleted; deleting any 5 consecutive bases within chr5:87,331,424-87,331,429 gives the same sequence; the c. name uses the placement nearest the transcript's 3' end. VCF-style (leftmost placement, unchanged base first): chr5-87331423-TATAAG-T. GRCh37 (hg19) VCF-style: chr5-86627240-TATAAG-T.
Other names: c.86_90del, p.Ile29fs (NM_022650.3); c.934-18633_934-18629del (NM_001364075.2); short protein forms I206fs, I29fs.
Identifiers: ClinVar variation 1459034 (VCV001459034.9), dbSNP rs2112366112, ClinGen allele CA2573140124.

ClinVar aggregate classification (germline): Pathogenic (1 of 4 stars; one submission).

Conditions:
Capillary malformation-arteriovenous malformation syndrome. Also called: Capillary malformation-arteriovenous malformation. Identifiers: Orphanet 137667, MedGen C1842180, MONDO:0012016.

Submission:

Labcorp Genetics (formerly Invitae), Labcorp
Classification: Pathogenic for Capillary malformation-arteriovenous malformation syndrome. Last evaluated: 2022-11-16. Review status: criteria provided, single submitter. Criteria: Invitae Variant Classification Sherloc (09022015). Collection method: clinical testing. Allele origin: germline.
Comment: This premature translational stop signal has been observed in individual(s) with Parkes-Weber syndrome (PMID: 23650393). For these reasons, this variant has been classified as Pathogenic. ClinVar contains an entry for this variant (Variation ID: 1459034). This variant is not present in population databases (gnomAD no frequency). This sequence change creates a premature translational stop signal (p.Ile206Argfs*3) in the RASA1 gene. It is expected to result in an absent or disrupted protein product. Loss-of-function variants in RASA1 are known to be pathogenic (PMID: 24038909).

Literature cited by the submitters: PubMed 23650393; PubMed 24038909.